The following is an entry in ClinVar:

ClinVar aggregate classification (germline): Pathogenic. Review status: criteria provided, single submitter (1 of 4 stars). 2 submissions from 2 submitters: Pathogenic (1). 1 of the submissions does not count toward it.

Conditions:
Auditory neuropathy spectrum disorder. Identifiers: MedGen C2732267.
Brown-Vialetto-van Laere syndrome 2. Also called: Riboflavin transporter deficiency type 2; SPINOCEREBELLAR ATAXIA WITH BLINDNESS AND DEAFNESS 2. Identifiers: Orphanet 572543, Orphanet 97229, MedGen C3553538, MONDO:0013867, OMIM 614707.

Submissions (2):

Juno Genomics, Hangzhou Juno Genomics, Inc
Classification: Pathogenic for Brown-Vialetto-van Laere syndrome 2. Review status: criteria provided, single submitter. Criteria: ACMG Guidelines, 2015. Collection method: clinical testing. Allele origin: germline.
Comment: Null variant in a gene where loss of function (LOF) is a known mechanism of disease.;Absent from controls (or at extremely low frequency if recessive) in Genome Aggregation Database.;Patient's phenotype or family history is highly specific for a disease with a single genetic etiology.

Department of Otolaryngology, Head and Neck Surgery, Beijing Friendship Hospital, Capital Medical University
Classification: Pathogenic for Auditory neuropathy spectrum disorder. Last evaluated: 2021-02-17. Review status: no assertion criteria provided. Collection method: clinical testing. Allele origin: inherited. Inheritance: Autosomal recessive inheritance. Affected: yes. Not counted in ClinVar's aggregate classification.

NM_001363118.2(SLC52A2):c.1024dup (p.Leu342fs)

Gene: SLC52A2 (solute carrier family 52 member 2; plus strand). Cytogenetic location: 8q24.3.
Variant type: Duplication.
Coding change: c.1024dup on transcript NM_001363118.2 (MANE Select); coding-DNA position 1024, one base duplicated (C; older notation c.1024dupC).
Protein change: p.Leu342fs; shifts the reading frame from leucine 342.
Molecular consequence: frameshift variant. On other transcripts: non-coding transcript variant (1).
Genome position (GRCh38, 1-based): chr8:144,360,612, C duplicated; the last of 2 consecutive C bases (chr8:144,360,611-144,360,612); duplicating either gives the same sequence. VCF-style (leftmost placement, unchanged base first): chr8-144360610-G-GC. GRCh37 (hg19) VCF-style: chr8-145584270-G-GC.
Other names: c.1024dup, p.Leu342fs (NM_001253815.2, NM_001253816.2, NM_001363120.2 and 2 more transcripts); c.532dup, p.Leu178fs (NM_001363122.2); c.760dup, p.Leu254fs (NM_001410949.1); short protein forms L178fs, L254fs, L342fs.
Identifiers: ClinVar variation 3061936 (VCV003061936.4), dbSNP rs1374925248, ClinGen allele CA586162174.